The following is an entry in ClinVar:

NM_000038.6(APC):c.5144A>T (p.Asp1715Val)

Gene: APC (APC regulator of Wnt signaling pathway; plus strand). Cytogenetic location: 5q22.2.
Variant type: single nucleotide variant.
Coding change: c.5144A>T on transcript NM_000038.6 (MANE Select); coding-DNA position 5144, A replaced by T.
Protein change: p.Asp1715Val; replaces aspartic acid 1715 with valine.
Molecular consequence: missense variant. On other transcripts: non-coding transcript variant (2).
Genome position (GRCh38, 1-based): chr5:112,840,738, A>T. VCF-style: chr5-112840738-A-T. GRCh37 (hg19) VCF-style: chr5-112176435-A-T.
Other names: c.5144A>T, p.Asp1715Val (NM_001127510.3, NM_001354895.2, NM_001407450.1); c.5090A>T, p.Asp1697Val (NM_001127511.3); c.5198A>T, p.Asp1733Val (NM_001354896.2, NM_001407447.1, NM_001407448.1 and 1 more transcripts); c.5174A>T, p.Asp1725Val (NM_001354897.2); c.5069A>T, p.Asp1690Val (NM_001354898.2); c.5060A>T, p.Asp1687Val (NM_001354899.2); c.5021A>T, p.Asp1674Val (NM_001354900.2); c.4967A>T, p.Asp1656Val (NM_001354901.2, NM_001407453.1); and 11 more; short protein forms D1432V, D1624V, D1690V, D1697V, D1708V, D1555V, D1586V, D1614V.
Identifiers: ClinVar variation 3410850 (VCV003410850.1).

ClinVar aggregate classification (germline): Uncertain significance (1 of 4 stars; one submission).

Conditions:
Hereditary cancer-predisposing syndrome. Also called: Neoplastic Syndromes, Hereditary; Tumor predisposition; Hereditary Cancer Syndrome; Hereditary neoplastic syndrome. Identifiers: Orphanet 140162, MedGen C0027672, MeSH D009386, MONDO:0015356.

Submission:

Ambry Genetics
Classification: Uncertain significance for Hereditary cancer-predisposing syndrome. Last evaluated: 2024-09-06. Review status: criteria provided, single submitter. Criteria: Ambry Variant Classification Scheme 2023. Collection method: clinical testing. Allele origin: germline.
Comment: The p.D1715V variant (also known as c.5144A>T), located in coding exon 15 of the APC gene, results from an A to T substitution at nucleotide position 5144. The aspartic acid at codon 1715 is replaced by valine, an amino acid with highly dissimilar properties. This amino acid position is conserved. In addition, in silico predictors for this gene do not accurately predict pathogenicity. Based on the available evidence, the clinical significance of this variant remains unclear.